The following is an entry in ClinVar:

ClinVar aggregate classification (germline): Uncertain significance (1 of 4 stars; one submission).

Submission:

Labcorp Genetics (formerly Invitae), Labcorp
Classification: Uncertain significance. Last evaluated: 2022-07-01. Review status: criteria provided, single submitter. Criteria: Invitae Variant Classification Sherloc (09022015). Collection method: clinical testing. Allele origin: germline.
Comment: This variant is not present in population databases (gnomAD no frequency). In summary, the available evidence is currently insufficient to determine the role of this variant in disease. Therefore, it has been classified as a Variant of Uncertain Significance. Algorithms developed to predict the effect of missense changes on protein structure and function are either unavailable or do not agree on the potential impact of this missense change (SIFT: "Tolerated"; PolyPhen-2: "Probably Damaging"; Align-GVGD: "Class C0"). This variant has not been reported in the literature in individuals affected with PROM1-related conditions. This sequence change replaces leucine, which is neutral and non-polar, with phenylalanine, which is neutral and non-polar, at codon 287 of the PROM1 protein (p.Leu287Phe).

NM_006017.3(PROM1):c.859C>T (p.Leu287Phe)

Gene: PROM1 (prominin 1; minus strand). Cytogenetic location: 4p15.32.
Variant type: single nucleotide variant.
Coding change: c.859C>T on transcript NM_006017.3 (MANE Select); coding-DNA position 859, C replaced by T.
Protein change: p.Leu287Phe; replaces leucine 287 with phenylalanine.
Molecular consequence: missense variant.
Genome position (GRCh38, 1-based): chr4:16,018,466, G>A on the plus strand (C>T on the coding strand, the complement: PROM1 is on the minus strand). VCF-style: chr4-16018466-G-A. GRCh37 (hg19) VCF-style: chr4-16020089-G-A.
Other names: c.832C>T, p.Leu278Phe (NM_001145847.2, NM_001145848.2, NM_001145851.2 and 4 more transcripts); c.859C>T, p.Leu287Phe (NM_001145849.2, NM_001145850.2); short protein forms L278F, L287F.
Identifiers: ClinVar variation 2012687 (VCV002012687.4), dbSNP rs1343276100, ClinGen allele CA356419987.